The following is an entry in ClinVar:

NM_000342.4(SLC4A1):c.1118A>T (p.Gln373Leu)

Gene: SLC4A1 (solute carrier family 4 member 1 (Diego blood group); minus strand). Cytogenetic location: 17q21.31.
Variant type: single nucleotide variant.
Coding change: c.1118A>T on transcript NM_000342.4 (MANE Select); coding-DNA position 1118, A replaced by T.
Protein change: p.Gln373Leu; replaces glutamine 373 with leucine.
Molecular consequence: missense variant.
Genome position (GRCh38, 1-based): chr17:44,258,150, T>A on the plus strand (A>T on the coding strand, the complement: SLC4A1 is on the minus strand). VCF-style: chr17-44258150-T-A. GRCh37 (hg19) VCF-style: chr17-42335518-T-A.
Other names: short protein forms Q373L.
Identifiers: ClinVar variation 2887263 (VCV002887263.3), dbSNP rs768475898, ClinGen allele CA8600370.

ClinVar aggregate classification (germline): Uncertain significance (1 of 4 stars; one submission).

Allele frequency attached by ClinVar (database versions not stated): TOPMed below 0.00001; ExAC 0.00001; gnomAD exomes 0.00002; gnomAD 0.00001.
gnomAD v4.1: 32 of 1,613,866 alleles (0.002%); highest among the groups gnomAD compares: Non-Finnish European, 0.0027%; no homozygotes.

Submission:

Labcorp Genetics (formerly Invitae), Labcorp
Classification: Uncertain significance. Last evaluated: 2023-05-20. Review status: criteria provided, single submitter. Criteria: Invitae Variant Classification Sherloc (09022015). Collection method: clinical testing. Allele origin: germline.
Comment: In summary, the available evidence is currently insufficient to determine the role of this variant in disease. Therefore, it has been classified as a Variant of Uncertain Significance. Advanced modeling of protein sequence and biophysical properties (such as structural, functional, and spatial information, amino acid conservation, physicochemical variation, residue mobility, and thermodynamic stability) performed at Invitae indicates that this missense variant is not expected to disrupt SLC4A1 protein function. This variant has not been reported in the literature in individuals affected with SLC4A1-related conditions. This variant is present in population databases (rs768475898, gnomAD 0.003%). This sequence change replaces glutamine, which is neutral and polar, with leucine, which is neutral and non-polar, at codon 373 of the SLC4A1 protein (p.Gln373Leu).